The following is an entry in ClinVar:

ClinVar aggregate classification (germline): Likely pathogenic (1 of 4 stars; one submission).

Conditions:
Autosomal dominant intellectual disability-craniofacial anomalies-cardiac defects syndrome (ARTHS). Also called: Arboleda-Tham syndrome; Mental retardation, autosomal dominant 32; KAT6A syndrome. Identifiers: Orphanet 457193, MedGen C4225396, MONDO:0014558, OMIM 616268.

Submission:

Juno Genomics, Hangzhou Juno Genomics, Inc
Classification: Likely pathogenic for Autosomal dominant intellectual disability-craniofacial anomalies-cardiac defects syndrome. Review status: criteria provided, single submitter. Criteria: ACMG Guidelines, 2015. Collection method: clinical testing. Allele origin: germline. Affected: yes.
Comment: Absent from controls (or at extremely low frequency if recessive) in Genome Aggregation Database, Exome Sequencing Project, 1000 Genomes Project, or Exome Aggregation Consortium.;Null variant in a gene where loss of function (LOF) is a known mechanism of disease.

NM_006766.5(KAT6A):c.682_683del (p.Ile228fs)

Gene: KAT6A (lysine acetyltransferase 6A; minus strand). Cytogenetic location: 8p11.21.
Variant type: Deletion.
Coding change: c.682_683del on transcript NM_006766.5 (MANE Select); coding-DNA positions 682 to 683, 2 bases deleted (AT; older notation c.682_683delAT).
Protein change: p.Ile228fs; shifts the reading frame from isoleucine 228.
Molecular consequence: frameshift variant.
Genome position (GRCh38, 1-based): chr8:41,987,481-41,987,482, AT deleted on the plus strand (AT on the coding strand, the reverse complement: KAT6A is on the minus strand). VCF-style (leftmost placement, unchanged base first): chr8-41987480-GAT-G. GRCh37 (hg19) VCF-style: chr8-41844998-GAT-G.
Other names: c.682_683del, p.Ile228fs (NM_001305878.2); short protein forms I228fs.
Identifiers: ClinVar variation 3906979 (VCV003906979.2).